The following is an entry in ClinVar:

ClinVar aggregate classification (germline): Uncertain significance. Review status: criteria provided, multiple submitters, no conflicts (2 of 4 stars). 2 submissions from 2 submitters: Uncertain significance (2). Last evaluated 2025-05-31.

Conditions:
Hereditary cancer-predisposing syndrome. Also called: Neoplastic Syndromes, Hereditary; Hereditary Cancer Syndrome; Tumor predisposition; Hereditary neoplastic syndrome. Identifiers: Orphanet 140162, MedGen C0027672, MeSH D009386, MONDO:0015356.
Familial adenomatous polyposis 1 (FAP1). Also called: FAMILIAL ADENOMATOUS POLYPOSIS 1, ATTENUATED; POLYPOSIS, ADENOMATOUS INTESTINAL. Identifiers: MedGen C2713442, MONDO:0021056, OMIM 175100. Disease mechanism: loss of function.

Submissions (2):

Ambry Genetics
Classification: Uncertain significance for Hereditary cancer-predisposing syndrome. Last evaluated: 2025-05-31. Review status: criteria provided, single submitter. Criteria: Ambry Variant Classification Scheme 2023. Collection method: clinical testing. Allele origin: germline.
Comment: The p.V1894L variant (also known as c.5680G>C), located in coding exon 15 of the APC gene, results from a G to C substitution at nucleotide position 5680. The valine at codon 1894 is replaced by leucine, an amino acid with highly similar properties. This amino acid position is conserved. In addition, in silico predictors for this gene do not accurately predict pathogenicity. Based on the available evidence, the clinical significance of this variant remains unclear.

Labcorp Genetics (formerly Invitae), Labcorp
Classification: Uncertain significance for Familial adenomatous polyposis 1. Last evaluated: 2022-04-08. Review status: criteria provided, single submitter. Criteria: Invitae Variant Classification Sherloc (09022015). Collection method: clinical testing. Allele origin: germline.
Comment: This sequence change replaces valine, which is neutral and non-polar, with leucine, which is neutral and non-polar, at codon 1894 of the APC protein (p.Val1894Leu). This variant is not present in population databases (gnomAD no frequency). This variant has not been reported in the literature in individuals affected with APC-related conditions. Algorithms developed to predict the effect of missense changes on protein structure and function (SIFT, PolyPhen-2, Align-GVGD) all suggest that this variant is likely to be tolerated. In summary, the available evidence is currently insufficient to determine the role of this variant in disease. Therefore, it has been classified as a Variant of Uncertain Significance.

NM_000038.6(APC):c.5680G>C (p.Val1894Leu)

Gene: APC (APC regulator of Wnt signaling pathway; plus strand). Cytogenetic location: 5q22.2.
Variant type: single nucleotide variant.
Coding change: c.5680G>C on transcript NM_000038.6 (MANE Select); coding-DNA position 5680, G replaced by C.
Protein change: p.Val1894Leu; replaces valine 1894 with leucine.
Molecular consequence: missense variant.
Genome position (GRCh38, 1-based): chr5:112,841,274, G>C. VCF-style: chr5-112841274-G-C. GRCh37 (hg19) VCF-style: chr5-112176971-G-C.
Other names: c.5680G>C, p.Val1894Leu (NM_001127510.3, NM_001354895.2, NM_001407450.1); c.5626G>C, p.Val1876Leu (NM_001127511.3); c.5734G>C, p.Val1912Leu (NM_001354896.2, NM_001407447.1, NM_001407448.1 and 1 more transcripts); c.5710G>C, p.Val1904Leu (NM_001354897.2); c.5605G>C, p.Val1869Leu (NM_001354898.2); c.5596G>C, p.Val1866Leu (NM_001354899.2); c.5557G>C, p.Val1853Leu (NM_001354900.2); c.5503G>C, p.Val1835Leu (NM_001354901.2, NM_001407453.1); and 12 more; short protein forms V1734L, V1765L, V1768L, V1803L, V1811L, V1887L, V1611L, V1835L.
Identifiers: ClinVar variation 1909961 (VCV001909961.6), dbSNP rs2149946348, ClinGen allele CA16033769.